The following is an entry in ClinVar:

NM_002941.4(ROBO1):c.2776A>C (p.Asn926His)

Gene: ROBO1 (roundabout guidance receptor 1; minus strand). Cytogenetic location: 3p12.3.
Variant type: single nucleotide variant.
Coding change: c.2776A>C on transcript NM_002941.4 (MANE Select); coding-DNA position 2776, A replaced by C.
Protein change: p.Asn926His; replaces asparagine 926 with histidine.
Molecular consequence: missense variant.
Genome position (GRCh38, 1-based): chr3:78,651,768, T>G on the plus strand (A>C on the coding strand, the complement: ROBO1 is on the minus strand). VCF-style: chr3-78651768-T-G. GRCh37 (hg19) VCF-style: chr3-78700918-T-G.
Other names: c.2668A>C, p.Asn890His (NM_001145844.1, NM_001145845.2, NM_133631.4); short protein forms N926H, N890H.
Identifiers: ClinVar variation 2200769 (VCV002200769.4), dbSNP rs774606628, ClinGen allele CA2498591.

ClinVar aggregate classification (germline): Uncertain significance (1 of 4 stars; one submission).

Allele frequency attached by ClinVar (database versions not stated): gnomAD exomes 0.00001; ExAC 0.00002.
gnomAD v4.1: 3 of 1,613,436 alleles (0.00019%); highest among the groups gnomAD compares: Admixed American, 0.0033%; no homozygotes.

Submission:

Labcorp Genetics (formerly Invitae), Labcorp
Classification: Uncertain significance. Last evaluated: 2023-12-04. Review status: criteria provided, single submitter. Criteria: Invitae Variant Classification Sherloc (09022015). Collection method: clinical testing. Allele origin: germline.
Comment: This sequence change replaces asparagine, which is neutral and polar, with histidine, which is basic and polar, at codon 926 of the ROBO1 protein (p.Asn926His). This variant is present in population databases (rs774606628, gnomAD 0.007%). This variant has not been reported in the literature in individuals affected with ROBO1-related conditions. ClinVar contains an entry for this variant (Variation ID: 2200769). Advanced modeling of protein sequence and biophysical properties (such as structural, functional, and spatial information, amino acid conservation, physicochemical variation, residue mobility, and thermodynamic stability) performed at Invitae indicates that this missense variant is not expected to disrupt ROBO1 protein function with a negative predictive value of 95%. In summary, the available evidence is currently insufficient to determine the role of this variant in disease. Therefore, it has been classified as a Variant of Uncertain Significance.